The following is an entry in ClinVar:

ClinVar aggregate classification (germline): Uncertain significance (1 of 4 stars; one submission).

Submission:

Women's Health and Genetics/Laboratory Corporation of America, LabCorp
Classification: Uncertain significance. Last evaluated: 2024-08-12. Review status: criteria provided, single submitter. Criteria: LabCorp Variant Classification Summary - May 2015. Collection method: clinical testing. Allele origin: germline.
Comment: Variant summary: NOTCH3 c.3479A>G (p.Asn1160Ser) results in a conservative amino acid change located in the EGF-like domain (IPR000742) of the encoded protein sequence. Four of five in-silico tools predict a damaging effect of the variant on protein function. The variant was absent in 249768 control chromosomes. The available data on variant occurrences in the general population are insufficient to allow any conclusion about variant significance. To our knowledge, no occurrence of c.3479A>G in individuals affected with NOTCH3-Related Disorders and no experimental evidence demonstrating its impact on protein function have been reported. No submitters have cited clinical-significance assessments for this variant to ClinVar. Based on the evidence outlined above, the variant was classified as uncertain significance.

NM_000435.3(NOTCH3):c.3479A>G (p.Asn1160Ser)

Gene: NOTCH3 (notch receptor 3; minus strand). Cytogenetic location: 19p13.12.
Variant type: single nucleotide variant.
Coding change: c.3479A>G on transcript NM_000435.3 (MANE Select); coding-DNA position 3479, A replaced by G.
Protein change: p.Asn1160Ser; replaces asparagine 1160 with serine.
Molecular consequence: missense variant.
Genome position (GRCh38, 1-based): chr19:15,179,264, T>C on the plus strand (A>G on the coding strand, the complement: NOTCH3 is on the minus strand). VCF-style: chr19-15179264-T-C. GRCh37 (hg19) VCF-style: chr19-15290075-T-C.
Other names: short protein forms N1160S.
Identifiers: ClinVar variation 3366334 (VCV003366334.1).
Genomic context (GRCh38, chr19:15,179,264, plus strand): 5'-CCATTGTGTAGGCACCGGGGCCCTGAGTCCAGCGGTGGGCCTGGGCCGCAGTCATCCTCA[T>C]TAATCTCGCAGAGCACCCCTGGGGGAAGAAACGAGGGGTGGTCAAGAGGGAATGAAGACA-3'
Protein context (NP_000426.2, residues 1150-1170): PGTLGVLCEI[Asn1160Ser]EDDCGPGPPL